The following is an entry in ClinVar:

NM_014915.3(ANKRD26):c.4564A>T (p.Met1522Leu)

Gene: ANKRD26 (ankyrin repeat domain containing 26; minus strand). Cytogenetic location: 10p12.1.
Variant type: single nucleotide variant.
Coding change: c.4564A>T on transcript NM_014915.3 (MANE Select); coding-DNA position 4564, A replaced by T.
Protein change: p.Met1522Leu; replaces methionine 1522 with leucine.
Molecular consequence: missense variant.
Genome position (GRCh38, 1-based): chr10:27,014,654, T>A on the plus strand (A>T on the coding strand, the complement: ANKRD26 is on the minus strand). VCF-style: chr10-27014654-T-A. GRCh37 (hg19) VCF-style: chr10-27303583-T-A.
Other names: c.4561A>T, p.Met1521Leu (NM_001256053.2); short protein forms M1521L, M1522L.
Identifiers: ClinVar variation 3870058 (VCV003870058.1).

ClinVar aggregate classification (germline): Uncertain significance (1 of 4 stars; one submission).

Conditions:
Inborn genetic diseases. Identifiers: MedGen C0950123, MeSH D030342.

Submission:

Ambry Genetics
Classification: Uncertain significance for Inborn genetic diseases. Last evaluated: 2025-01-06. Review status: criteria provided, single submitter. Criteria: Ambry Variant Classification Scheme 2023. Collection method: clinical testing. Allele origin: germline.
Comment: The p.M1522L variant (also known as c.4564A>T), located in coding exon 31 of the ANKRD26 gene, results from an A to T substitution at nucleotide position 4564. The methionine at codon 1522 is replaced by leucine, an amino acid with highly similar properties. This amino acid position is conserved. In addition, this alteration is predicted to be tolerated by in silico analysis. Based on the available evidence, the clinical significance of this variant remains unclear.